The following is an entry in ClinVar:

ClinVar aggregate classification (germline): Uncertain significance (1 of 4 stars; one submission).

Conditions:
TP63-Related Spectrum Disorders.

gnomAD v4.1: 2 of 1,614,074 alleles (0.00012%); highest among the groups gnomAD compares: Middle Eastern, 0.016%; no homozygotes.

Submission:

Labcorp Genetics (formerly Invitae), Labcorp
Classification: Uncertain significance. Last evaluated: 2024-11-21. Review status: criteria provided, single submitter. Criteria: Invitae Variant Classification Sherloc (09022015). Collection method: clinical testing. Allele origin: germline.
Comment: This sequence change replaces threonine, which is neutral and polar, with methionine, which is neutral and non-polar, at codon 112 of the TP63 protein (p.Thr112Met). This variant is not present in population databases (gnomAD no frequency). This variant has not been reported in the literature in individuals affected with TP63-related conditions. Invitae Evidence Modeling of protein sequence and biophysical properties (such as structural, functional, and spatial information, amino acid conservation, physicochemical variation, residue mobility, and thermodynamic stability) indicates that this missense variant is not expected to disrupt TP63 protein function with a negative predictive value of 80%. In summary, the available evidence is currently insufficient to determine the role of this variant in disease. Therefore, it has been classified as a Variant of Uncertain Significance.

NM_003722.5(TP63):c.335C>T (p.Thr112Met)

Gene: TP63 (tumor protein p63; plus strand). Cytogenetic location: 3q28.
Variant type: single nucleotide variant.
Coding change: c.335C>T on transcript NM_003722.5 (MANE Select); coding-DNA position 335, C replaced by T.
Protein change: p.Thr112Met; replaces threonine 112 with methionine.
Molecular consequence: missense variant. On other transcripts: intron variant (2).
Genome position (GRCh38, 1-based): chr3:189,808,282, C>T. VCF-style: chr3-189808282-C-T. GRCh37 (hg19) VCF-style: chr3-189526071-C-T.
Other names: c.335C>T, p.Thr112Met (NM_001114978.2, NM_001114979.2, NM_001329144.2 and 1 more transcripts); c.53C>T, p.Thr18Met (NM_001114980.2, NM_001114981.2, NM_001114982.2 and 2 more transcripts); c.329C>T, p.Thr110Met (NM_001329964.2); c.42+18440C>T (NM_001329146.2, NM_001329150.2); short protein forms T110M, T112M, T18M.
Identifiers: ClinVar variation 3613104 (VCV003613104.1).